The following is an entry in ClinVar:

NM_000452.3(SLC10A2):c.497-13_497-4del

Gene: SLC10A2 (solute carrier family 10 member 2; minus strand). Cytogenetic location: 13q33.1.
Variant type: Deletion.
Coding change: c.497-13_497-4del on transcript NM_000452.3 (MANE Select); 13 bases into the intron before coding-DNA position 497 through 4 bases into the intron before coding-DNA position 497, 10 bases deleted (CTGTCATCTT; older notation c.497-13_497-4delCTGTCATCTT).
Molecular consequence: intron variant.
Genome position (GRCh38, 1-based): chr13:103,052,712-103,052,721, AAGATGACAG deleted on the plus strand (CTGTCATCTT on the coding strand, the reverse complement: SLC10A2 is on the minus strand); deleting any 10 consecutive bases within chr13:103,052,712-103,052,724 gives the same sequence; the c. name uses the placement nearest the transcript's 3' end. VCF-style (leftmost placement, unchanged base first): chr13-103052711-AAAGATGACAG-A. GRCh37 (hg19) VCF-style: chr13-103705061-AAAGATGACAG-A.
Other names: c.497-13_497-4del10 (NM_000452.2).
Identifiers: ClinVar variation 2190994 (VCV002190994.7), dbSNP rs763561405, ClinGen allele CA7042181.

ClinVar aggregate classification (germline): Conflicting classifications of pathogenicity. Review status: criteria provided, conflicting classifications (1 of 4 stars). 3 submissions from 3 submitters: Uncertain significance (1); Likely benign (1). 1 of the submissions does not count toward it. Last evaluated 2026-01-18.

Conditions:
SLC10A2-related disorder. Also called: SLC10A2-related condition.

Submissions (3):

Labcorp Genetics (formerly Invitae), Labcorp
Classification: Uncertain significance. Last evaluated: 2026-01-18. Review status: criteria provided, single submitter. Criteria: Invitae Variant Classification Sherloc (09022015). Collection method: clinical testing. Allele origin: germline.
Comment: This sequence change falls in intron 2 of the SLC10A2 gene. It does not directly change the encoded amino acid sequence of the SLC10A2 protein. This variant is present in population databases (rs763561405, gnomAD 0.002%). This variant has not been reported in the literature in individuals affected with SLC10A2-related conditions. ClinVar contains an entry for this variant (Variation ID: 2190994). Algorithms developed to predict the effect of sequence changes on RNA splicing suggest that this variant may disrupt the consensus splice site. In summary, the available evidence is currently insufficient to determine the role of this variant in disease. Therefore, it has been classified as a Variant of Uncertain Significance.

Blueprint Genetics
Classification: Likely benign. Last evaluated: 2022-07-13. Review status: criteria provided, single submitter. Criteria: ACMG Guidelines, 2015. Collection method: clinical testing. Allele origin: germline.

PreventionGenetics, part of Exact Sciences
Classification: Likely benign for SLC10A2-related condition. Last evaluated: 2022-07-05. Review status: no assertion criteria provided. Collection method: clinical testing. Allele origin: germline. Not counted in ClinVar's aggregate classification.
Comment: This variant is classified as likely benign based on ACMG/AMP sequence variant interpretation guidelines (Richards et al. 2015 PMID: 25741868, with internal and published modifications).